The following is an entry in ClinVar:

NM_001114753.3(ENG):c.463_486del (p.Pro155_Leu162del)

Gene: ENG (endoglin; minus strand). Cytogenetic location: 9q34.11.
Variant type: Deletion.
Coding change: c.463_486del on transcript NM_001114753.3 (MANE Select); coding-DNA positions 463 to 486, 24 bases deleted (CCCATCACCTCTGCTGCTGAGCTG).
Protein change: p.Pro155_Leu162del.
Molecular consequence: inframe deletion. On other transcripts: inframe indel (2), 5 prime UTR variant (1).
Genome position (GRCh38, 1-based): chr9:127,826,547-127,826,570, CAGCTCAGCAGCAGAGGTGATGGG deleted on the plus strand (CCCATCACCTCTGCTGCTGAGCTG on the coding strand, the reverse complement: ENG is on the minus strand). VCF-style (leftmost placement, unchanged base first): chr9-127826546-TCAGCTCAGCAGCAGAGGTGATGGG-T. GRCh37 (hg19) VCF-style: chr9-130588825-TCAGCTCAGCAGCAGAGGTGATGGG-T.
Other names: c.463_486del24, p.Pro155_Leu162del (NM_000118.4, NM_001406715.1); c.-84_-61del (NM_001278138.2).
Identifiers: ClinVar variation 2121295 (VCV002121295.4), dbSNP rs2539077729, ClinGen allele CA2580079699.

ClinVar aggregate classification (germline): Pathogenic (1 of 4 stars; one submission).

Conditions:
Hereditary hemorrhagic telangiectasia (HHT). Also called: ORW DISEASE; Osler Weber Rendu syndrome; OSLER-RENDU-WEBER DISEASE; Osler hemorrhagic telangiectasia syndrome. Identifiers: Orphanet 774, MedGen C0039445, MONDO:0019180. Disease mechanism: loss of function.

Submission:

Labcorp Genetics (formerly Invitae), Labcorp
Classification: Pathogenic for Hereditary hemorrhagic telangiectasia. Last evaluated: 2022-04-04. Review status: criteria provided, single submitter. Criteria: Invitae Variant Classification Sherloc (09022015). Collection method: clinical testing. Allele origin: germline.
Comment: For these reasons, this variant has been classified as Pathogenic. This variant disrupts a region of the ENG protein in which other variant(s) (p.Ala160Asp) have been determined to be pathogenic (PMID: 9157574, 22022569). This suggests that this is a clinically significant region of the protein, and that variants that disrupt it are likely to be disease-causing. This variant has not been reported in the literature in individuals affected with ENG-related conditions. This variant is not present in population databases (gnomAD no frequency). This variant, c.463_486del, results in the deletion of 8 amino acid(s) of the ENG protein (p.Pro155_Leu162del), but otherwise preserves the integrity of the reading frame.

Literature cited by the submitters: PubMed 9157574; PubMed 22022569.